The following is an entry in ClinVar:

NM_024675.4(PALB2):c.3542_3543dup (p.Val1182fs)

Gene: PALB2 (partner and localizer of BRCA2; minus strand). Cytogenetic location: 16p12.2.
Variant type: Duplication.
Coding change: c.3542_3543dup on transcript NM_024675.4 (MANE Select); coding-DNA positions 3542 to 3543, 2 bases duplicated (TT; older notation c.3542_3543dupTT).
Protein change: p.Val1182fs; shifts the reading frame from valine 1182.
Molecular consequence: frameshift variant.
Genome position (GRCh38, 1-based): chr16:23,603,477-23,603,478, AA duplicated on the plus strand (TT on the coding strand, the reverse complement: PALB2 is on the minus strand); duplicating any 2 consecutive bases within chr16:23,603,477-23,603,479 gives the same sequence; the c. name uses the placement nearest the transcript's 3' end. VCF-style (leftmost placement, unchanged base first): chr16-23603476-C-CAA. GRCh37 (hg19) VCF-style: chr16-23614797-C-CAA.
Other names: c.3542_3543dupTT (NM_024675.3); short protein forms V1182fs.
Identifiers: ClinVar variation 579430 (VCV000579430.9), dbSNP rs1567204928, ClinGen allele CA891843569.

ClinVar aggregate classification (germline): Pathogenic (1 of 4 stars; one submission).

Conditions:
Familial cancer of breast. Also called: BREAST CANCER, FAMILIAL; hereditary breast carcinoma; Hereditary breast cancer. Identifiers: Orphanet 227535, MedGen C0346153, MONDO:0016419, OMIM 114480. Disease mechanism: loss of function.

Submission:

Labcorp Genetics (formerly Invitae), Labcorp
Classification: Pathogenic for Familial cancer of breast. Last evaluated: 2018-01-27. Review status: criteria provided, single submitter. Criteria: Invitae Variant Classification Sherloc (09022015). Collection method: clinical testing. Allele origin: germline.
Comment: Two different truncations causing the same protein effect (p.Tyr1183*) lie downstream of this variant and have been determined to be pathogenic (PMID: 21365267, 19609323, 17200671, 26315354, 26296701). This suggests that disruption of this region of the PALB2 protein is causative of disease. This sequence change results in a premature translational stop signal in the PALB2 gene (p.Val1182Leufs*10). While this is not anticipated to result in nonsense mediated decay, it is expected to disrupt the last 5 amino acids of the PALB2 protein and extend the protein by an additional 4 amino acids. This variant is not present in population databases (ExAC no frequency). This variant has not been reported in the literature in individuals with PALB2-related disease. For these reasons, this variant has been classified as Pathogenic.

Literature cited by the submitters: PubMed 21365267; PubMed 19609323; PubMed 17200671; PubMed 26315354; PubMed 26296701.